The following is an entry in ClinVar:

ClinVar aggregate classification (germline): Likely benign (0 of 4 stars; one submission).

Conditions:
KMT2D-related disorder. Also called: KMT2D-Related Disorders.

Submission:

PreventionGenetics, part of Exact Sciences
Classification: Likely benign for KMT2D-related condition. Last evaluated: 2024-07-11. Review status: no assertion criteria provided. Collection method: clinical testing. Allele origin: germline.
Comment: This variant is classified as likely benign based on ACMG/AMP sequence variant interpretation guidelines (Richards et al. 2015 PMID: 25741868, with internal and published modifications).

NM_003482.4(KMT2D):c.2490A>G (p.Glu830=)

Gene: KMT2D (lysine methyltransferase 2D; minus strand). Cytogenetic location: 12q13.12.
Variant type: single nucleotide variant.
Coding change: c.2490A>G on transcript NM_003482.4 (MANE Select); coding-DNA position 2490, A replaced by G.
Protein change: p.Glu830=; no amino-acid change (glutamic acid 830 retained).
Molecular consequence: synonymous variant.
Genome position (GRCh38, 1-based): chr12:49,051,193, T>C on the plus strand (A>G on the coding strand, the complement: KMT2D is on the minus strand). VCF-style: chr12-49051193-T-C. GRCh37 (hg19) VCF-style: chr12-49444976-T-C.
Identifiers: ClinVar variation 3344360 (VCV003344360.1).